The following is an entry in ClinVar:

ClinVar aggregate classification (germline): Uncertain significance (1 of 4 stars; one submission).

Allele frequency attached by ClinVar (database versions not stated): gnomAD exomes below 0.00001.
gnomAD v4.1: 2 of 1,211,650 alleles (0.00017%); highest among the groups gnomAD compares: Non-Finnish European, 0.00022%; no homozygotes.

Submission:

GeneDx
Classification: Uncertain significance. Last evaluated: 2023-01-15. Review status: criteria provided, single submitter. Criteria: GeneDx Variant Classification Process June 2021. Collection method: clinical testing. Allele origin: germline. Affected: yes.
Comment: Not observed at significant frequency in large population cohorts (gnomAD); In silico analysis supports that this missense variant has a deleterious effect on protein structure/function; Has not been previously published as pathogenic or benign to our knowledge

NM_000292.3(PHKA2):c.340G>A (p.Ala114Thr)

Gene: PHKA2 (phosphorylase kinase regulatory subunit alpha 2; minus strand). Cytogenetic location: Xp22.13.
Variant type: single nucleotide variant.
Coding change: c.340G>A on transcript NM_000292.3 (MANE Select); coding-DNA position 340, G replaced by A.
Protein change: p.Ala114Thr; replaces alanine 114 with threonine.
Molecular consequence: missense variant.
Genome position (GRCh38, 1-based): chrX:18,951,218, C>T on the plus strand (G>A on the coding strand, the complement: PHKA2 is on the minus strand). VCF-style: chrX-18951218-C-T. GRCh37 (hg19) VCF-style: chrX-18969336-C-T.
Other names: short protein forms A114T.
Identifiers: ClinVar variation 2572888 (VCV002572888.1), dbSNP rs2518507824, ClinGen allele CA412375603.